The following is an entry in ClinVar:

NM_001165963.4(SCN1A):c.3596G>A (p.Gly1199Asp)

Genes: SCN1A (sodium voltage-gated channel alpha subunit 1; minus strand), LOC102724058 (uncharacterized LOC102724058; plus strand). Cytogenetic location: 2q24.3.
Variant type: single nucleotide variant.
Coding change: c.3596G>A on transcript NM_001165963.4 (MANE Select); coding-DNA position 3596, G replaced by A.
Protein change: p.Gly1199Asp; replaces glycine 1199 with aspartic acid.
Molecular consequence: missense variant. On other transcripts: non-coding transcript variant (1).
Genome position (GRCh38, 1-based): chr2:166,013,853, C>T on the plus strand (G>A on the coding strand, the complement: SCN1A is on the minus strand). VCF-style: chr2-166013853-C-T. GRCh37 (hg19) VCF-style: chr2-166870363-C-T.
Other names: c.3560G>A, p.Gly1187Asp (NM_001353955.2, NM_001353954.2); c.3512G>A, p.Gly1171Asp (NM_001353957.2, NM_001353958.2, NM_001165964.3); c.3509G>A, p.Gly1170Asp (NM_001353960.2); c.1154G>A, p.Gly385Asp (NM_001353961.2); c.3563G>A, p.Gly1188Asp (NM_006920.6, NM_001353949.2, NM_001353950.2 and 2 more transcripts); c.3596G>A, p.Gly1199Asp (NM_001202435.3, NM_001353948.2); short protein forms G1170D, G1199D, G385D, G1171D, G1187D, G1188D.
Identifiers: ClinVar variation 2902376 (VCV002902376.3), dbSNP rs2105611194, ClinGen allele CA349056225.
Genomic context (GRCh38, chr2:166,013,853, plus strand): 5'-CAGTTATGTTCAACTATTCGGAAACACGTCCTTCTCAGGTTCCACCATTGTTTTCCTCTG[C>T]CTTCTTCCACATTGATTTGACAACACTTGAATCTTTGTACACAGCCTGCAGAAAGTGTTG-3'
Protein context (NP_001159435.1, residues 1189-1209): FKCCQINVEE[Gly1199Asp]RGKQWWNLRR

ClinVar aggregate classification (germline): Uncertain significance (1 of 4 stars; one submission).

Conditions:
Early-infantile DEE. Also called: Early infantile epileptic encephalopathy; Ohtahara syndrome; Early infantile epileptic encephalopathy with suppression bursts. Identifiers: Orphanet 1934, MedGen C0393706, MONDO:0800491.

Allele frequency attached by ClinVar (database versions not stated): gnomAD exomes 0.00001.
gnomAD v4.1: 5 of 1,612,300 alleles (0.00031%); highest among the groups gnomAD compares: Non-Finnish European, 0.00042%; no homozygotes.

Submission:

Labcorp Genetics (formerly Invitae), Labcorp
Classification: Uncertain significance for Early-infantile DEE. Last evaluated: 2023-10-18. Review status: criteria provided, single submitter. Criteria: Invitae Variant Classification Sherloc (09022015). Collection method: clinical testing. Allele origin: germline.
Comment: This sequence change replaces glycine, which is neutral and non-polar, with aspartic acid, which is acidic and polar, at codon 1199 of the SCN1A protein (p.Gly1199Asp). This variant is not present in population databases (gnomAD no frequency). This variant has not been reported in the literature in individuals affected with SCN1A-related conditions. Advanced modeling of protein sequence and biophysical properties (such as structural, functional, and spatial information, amino acid conservation, physicochemical variation, residue mobility, and thermodynamic stability) has been performed at Invitae for this missense variant, however the output from this modeling did not meet the statistical confidence thresholds required to predict the impact of this variant on SCN1A protein function. In summary, the available evidence is currently insufficient to determine the role of this variant in disease. Therefore, it has been classified as a Variant of Uncertain Significance.